The following is an entry in ClinVar:

ClinVar aggregate classification (germline): Benign. Review status: criteria provided, multiple submitters, no conflicts (2 of 4 stars). 2 submissions from 2 submitters: Benign (2). Last evaluated 2018-01-13.

Conditions:
Idiopathic basal ganglia calcification 1 (PFBC1A). Also called: Familial Idiopathic Basal Ganglia Calcification 2; Familial Idiopathic Basal Ganglia Calcification 3; Primary Familial Brain Calcification; PRIMARY FAMILIAL BRAIN CALCIFICATION 1A, AUTOSOMAL DOMINANT; Fahr's syndrome; Cerebral calcification nonarteriosclerotic idiopathic adult-onset. Identifiers: Orphanet 1980, MedGen C4551624, MONDO:0024538, OMIM 213600.

Allele frequency attached by ClinVar (database versions not stated): gnomAD exomes 0.11991; 1000 Genomes Project 0.21785; gnomAD 0.19393 and 0.20257; TOPMed 0.20178; 1000 Genomes Project 30x 0.22111.
gnomAD v4.1: 29,321 of 152,552 alleles (19%); highest among the groups gnomAD compares: African/African-American, 51%; 5,915 homozygotes.

Submissions (8):

Illumina Laboratory Services, Illumina
Classification: Benign for Idiopathic basal ganglia calcification 1. Last evaluated: 2018-01-13. Review status: criteria provided, single submitter. Criteria: ICSL Variant Classification Criteria 13 December 2019. Collection method: clinical testing. Allele origin: germline.
Comment: This variant was observed in the ICSL laboratory as part of a predisposition screen in an ostensibly healthy population. It had not been previously curated by ICSL or reported in the Human Gene Mutation Database (HGMD: prior to June 1st, 2018), and was therefore a candidate for classification through an automated scoring system. Utilizing variant allele frequency, disease prevalence and penetrance estimates, and inheritance mode, an automated score was calculated to assess if this variant is too frequent to cause the disease. Based on the score and internal cut-off values, a variant classified as benign is not then subjected to further curation. The score for this variant resulted in a classification of benign for this disease.

Breakthrough Genomics
Classification: Benign. Review status: criteria provided, single submitter. Criteria: ACMG Guidelines, 2015. Collection method: not provided. Allele origin: germline. Inheritance: Autosomal dominant inheritance. Affected: yes.

Dr. Peter K. Rogan Lab, Western University
No classification provided (evidence only). Condition: Acute myeloid leukemia. Review status: no classification provided. Collection method: in vitro. Allele origin: not applicable. Functional consequence: retained intron. Not counted in ClinVar's aggregate classification.

Dr. Peter K. Rogan Lab, Western University
No classification provided (evidence only). Condition: Thymoma. Review status: no classification provided. Collection method: in vitro. Allele origin: not applicable. Functional consequence: retained intron. Not counted in ClinVar's aggregate classification.

Dr. Peter K. Rogan Lab, Western University
No classification provided (evidence only). Condition: Thymoma. Review status: no classification provided. Collection method: in vitro. Allele origin: not applicable. Functional consequence: retained intron. Not counted in ClinVar's aggregate classification.

Dr. Peter K. Rogan Lab, Western University
No classification provided (evidence only). Condition: Thymoma. Review status: no classification provided. Collection method: in vitro. Allele origin: not applicable. Functional consequence: retained intron. Not counted in ClinVar's aggregate classification.

Dr. Peter K. Rogan Lab, Western University
No classification provided (evidence only). Condition: Thymoma. Review status: no classification provided. Collection method: in vitro. Allele origin: not applicable. Functional consequence: retained intron. Not counted in ClinVar's aggregate classification.

Dr. Peter K. Rogan Lab, Western University
No classification provided (evidence only). Condition: Cholangiocarcinoma. Review status: no classification provided. Collection method: in vitro. Allele origin: not applicable. Functional consequence: retained intron. Not counted in ClinVar's aggregate classification.

NM_001257180.2(SLC20A2):c.*1057C>G

Gene: SLC20A2 (solute carrier family 20 member 2; minus strand). Cytogenetic location: 8p11.21.
Variant type: single nucleotide variant.
Coding change: c.*1057C>G on transcript NM_001257180.2 (MANE Select); 1057 bases downstream of the stop codon, C replaced by G.
Molecular consequence: 3 prime UTR variant.
Genome position (GRCh38, 1-based): chr8:42,416,746, G>C on the plus strand (C>G on the coding strand, the complement: SLC20A2 is on the minus strand). VCF-style: chr8-42416746-G-C. GRCh37 (hg19) VCF-style: chr8-42274264-G-C.
Other names: NC_000008.10:g.42274264G>C; c.*1057C>G (NM_001257181.2, NM_006749.5).
Identifiers: ClinVar variation 363053 (VCV000363053.7), dbSNP rs6841, ClinGen allele CA10631090.